The following is an entry in ClinVar:

ClinVar aggregate classification (germline): Uncertain significance. Review status: criteria provided, multiple submitters, no conflicts (2 of 4 stars). 3 submissions from 3 submitters: Uncertain significance (3). Last evaluated 2026-03-10.

Conditions:
Autosomal recessive nonsyndromic hearing loss 77. Identifiers: Orphanet 90636, MedGen C2746083, MONDO:0013119, OMIM 613079.
Inborn genetic diseases. Identifiers: MedGen C0950123, MeSH D030342.

Allele frequency attached by ClinVar (database versions not stated): gnomAD exomes below 0.00001; TOPMed 0.00001; gnomAD 0.00002.

Submissions (3):

Myriad Genetics, Inc.
Classification: Uncertain significance for Autosomal recessive nonsyndromic hearing loss 77. Last evaluated: 2026-03-10. Review status: criteria provided, single submitter. Criteria: Myriad Autosomal Dominant, Autosomal Recessive and X-Linked Classification Criteria (2023). Collection method: clinical testing. Allele origin: unknown.
Comment: NM_144612.6(LOXHD1):c.502A>G(M168V) is a missense variant classified as a variant of uncertain significance in the context of nonsyndromic hearing loss, LOXHD1-related. M168V has been observed in a case with relevant disease (PMID: 39640791). Relevant functional assessments of this variant are not available in the literature. M168V has been observed in referenced population frequency databases. In summary, there is insufficient evidence to classify NM_144612.6(LOXHD1):c.502A>G(M168V) as pathogenic or benign. Please note: this variant was assessed in the context of healthy population screening.

Ambry Genetics
Classification: Uncertain significance for Inborn genetic diseases. Last evaluated: 2025-04-28. Review status: criteria provided, single submitter. Criteria: Ambry Variant Classification Scheme 2023. Collection method: clinical testing. Allele origin: germline.

Labcorp Genetics (formerly Invitae), Labcorp
Classification: Uncertain significance. Last evaluated: 2024-05-20. Review status: criteria provided, single submitter. Criteria: Invitae Variant Classification Sherloc (09022015). Collection method: clinical testing. Allele origin: germline.
Comment: This sequence change replaces methionine, which is neutral and non-polar, with valine, which is neutral and non-polar, at codon 168 of the LOXHD1 protein (p.Met168Val). This variant is present in population databases (no rsID available, gnomAD 0.02%). This variant has not been reported in the literature in individuals affected with LOXHD1-related conditions. ClinVar contains an entry for this variant (Variation ID: 2067584). Algorithms developed to predict the effect of missense changes on protein structure and function output the following: SIFT: "Not Available"; PolyPhen-2: "Benign"; Align-GVGD: "Not Available". The valine amino acid residue is found in multiple mammalian species, which suggests that this missense change does not adversely affect protein function. In summary, the available evidence is currently insufficient to determine the role of this variant in disease. Therefore, it has been classified as a Variant of Uncertain Significance.

Literature cited by the submitters: PubMed 39640791 (cited by Myriad Genetics, Inc.).

NM_001384474.1(LOXHD1):c.502A>G (p.Met168Val)

Gene: LOXHD1 (lipoxygenase homology PLAT domains 1; minus strand). Cytogenetic location: 18q21.1.
Variant type: single nucleotide variant.
Coding change: c.502A>G on transcript NM_001384474.1 (MANE Select); coding-DNA position 502, A replaced by G.
Protein change: p.Met168Val; replaces methionine 168 with valine.
Molecular consequence: missense variant.
Genome position (GRCh38, 1-based): chr18:46,639,625, T>C on the plus strand (A>G on the coding strand, the complement: LOXHD1 is on the minus strand). VCF-style: chr18-46639625-T-C. GRCh37 (hg19) VCF-style: chr18-44219588-T-C.
Other names: c.502A>G, p.Met168Val (NM_144612.7); c.502A>G (NM_144612.6); short protein forms M168V.
Identifiers: ClinVar variation 2067584 (VCV002067584.5), dbSNP rs1362301378, ClinGen allele CA402369547.